The following is an entry in ClinVar:

ClinVar aggregate classification (germline): Uncertain significance. Review status: criteria provided, single submitter (1 of 4 stars). 2 submissions from 2 submitters: Uncertain significance (1). 1 of the submissions does not count toward it. Last evaluated 2025-06-03.

Conditions:
X-linked severe combined immunodeficiency (SCIDX1). Also called: X-Linked Combined Immunodeficiency Diseases; IMMUNODEFICIENCY 4; SCID, X-LINKED; SEVERE COMBINED IMMUNODEFICIENCY, X-LINKED, T CELL-NEGATIVE, B CELL-POSITIVE, NK CELL-NEGATIVE; T-B+ severe combined immunodeficiency due to gamma chain deficiency. Identifiers: Orphanet 276, MedGen C6022468, MONDO:0010315, OMIM 300400. Disease mechanism: loss of function.

Submissions (2):

Labcorp Genetics (formerly Invitae), Labcorp
Classification: Uncertain significance for X-linked severe combined immunodeficiency. Last evaluated: 2025-06-03. Review status: criteria provided, single submitter. Criteria: Invitae Variant Classification Sherloc (09022015). Collection method: clinical testing. Allele origin: germline.
Comment: This sequence change replaces proline, which is neutral and non-polar, with threonine, which is neutral and polar, at codon 229 of the IL2RG protein (p.Pro229Thr). This variant is not present in population databases (gnomAD no frequency). This variant has not been reported in the literature in individuals affected with IL2RG-related conditions. ClinVar contains an entry for this variant (Variation ID: 963561). Invitae Evidence Modeling of protein sequence and biophysical properties (such as structural, functional, and spatial information, amino acid conservation, physicochemical variation, residue mobility, and thermodynamic stability) indicates that this missense variant is expected to disrupt IL2RG protein function with a positive predictive value of 95%. In summary, the available evidence is currently insufficient to determine the role of this variant in disease. Therefore, it has been classified as a Variant of Uncertain Significance.

Natera, Inc.
Classification: Uncertain significance for X-linked severe combined immunodeficiency. Last evaluated: 2020-12-09. Review status: no assertion criteria provided. Collection method: clinical testing. Allele origin: germline. Not counted in ClinVar's aggregate classification.

NM_000206.3(IL2RG):c.685C>A (p.Pro229Thr)

Gene: IL2RG (interleukin 2 receptor subunit gamma; minus strand). Cytogenetic location: Xq13.1.
Variant type: single nucleotide variant.
Coding change: c.685C>A on transcript NM_000206.3 (MANE Select); coding-DNA position 685, C replaced by A.
Protein change: p.Pro229Thr; replaces proline 229 with threonine.
Molecular consequence: missense variant.
Genome position (GRCh38, 1-based): chrX:71,109,300, G>T on the plus strand (C>A on the coding strand, the complement: IL2RG is on the minus strand). VCF-style: chrX-71109300-G-T. GRCh37 (hg19) VCF-style: chrX-70329150-G-T.
Other names: short protein forms P229T.
Identifiers: ClinVar variation 963561 (VCV000963561.13), dbSNP rs1602288776, ClinGen allele CA413495971.